The following is an entry in ClinVar:

ClinVar aggregate classification (germline): Uncertain significance (1 of 4 stars; one submission).

Allele frequency attached by ClinVar (database versions not stated): gnomAD exomes below 0.00001.

Submission:

Labcorp Genetics (formerly Invitae), Labcorp
Classification: Uncertain significance. Last evaluated: 2024-10-29. Review status: criteria provided, single submitter. Criteria: Invitae Variant Classification Sherloc (09022015). Collection method: clinical testing. Allele origin: germline.
Comment: This sequence change replaces leucine with proline at codon 396 of the USH1G protein (p.Leu396Pro). The leucine residue is highly conserved and there is a moderate physicochemical difference between leucine and proline. This variant is present in population databases (no rsID available, gnomAD 0.0009%). This variant has not been reported in the literature in individuals affected with USH1G-related conditions. ClinVar contains an entry for this variant (Variation ID: 1498784). Invitae Evidence Modeling of protein sequence and biophysical properties (such as structural, functional, and spatial information, amino acid conservation, physicochemical variation, residue mobility, and thermodynamic stability) indicates that this missense variant is expected to disrupt USH1G protein function with a positive predictive value of 80%. In summary, the available evidence is currently insufficient to determine the role of this variant in disease. Therefore, it has been classified as a Variant of Uncertain Significance.

NM_173477.5(USH1G):c.1187T>C (p.Leu396Pro)

Gene: USH1G (USH1 protein network component sans; minus strand). Cytogenetic location: 17q25.1.
Variant type: single nucleotide variant.
Coding change: c.1187T>C on transcript NM_173477.5 (MANE Select); coding-DNA position 1187, T replaced by C.
Protein change: p.Leu396Pro; replaces leucine 396 with proline.
Molecular consequence: missense variant.
Genome position (GRCh38, 1-based): chr17:74,919,649, A>G on the plus strand (T>C on the coding strand, the complement: USH1G is on the minus strand). VCF-style: chr17-74919649-A-G. GRCh37 (hg19) VCF-style: chr17-72915744-A-G.
Other names: c.878T>C, p.Leu293Pro (NM_001282489.3); short protein forms L293P, L396P.
Identifiers: ClinVar variation 1498784 (VCV001498784.5), dbSNP rs1266767329, ClinGen allele CA400961493.